The following is an entry in ClinVar:

NM_201596.3(CACNB2):c.1562G>A (p.Ser521Asn)

Gene: CACNB2 (calcium voltage-gated channel auxiliary subunit beta 2; plus strand). Cytogenetic location: 10p12.31.
Variant type: single nucleotide variant.
Coding change: c.1562G>A on transcript NM_201596.3 (MANE Select); coding-DNA position 1562, G replaced by A.
Protein change: p.Ser521Asn; replaces serine 521 with asparagine.
Molecular consequence: missense variant.
Genome position (GRCh38, 1-based): chr10:18,539,303, G>A. VCF-style: chr10-18539303-G-A. GRCh37 (hg19) VCF-style: chr10-18828232-G-A.
Other names: c.1490G>A, p.Ser497Asn (NM_201597.3); c.1397G>A, p.Ser466Asn (NM_000724.4); c.1364G>A, p.Ser455Asn (NM_001167945.2); c.1283G>A, p.Ser428Asn (NM_001330060.2); c.1418G>A, p.Ser473Asn (NM_201570.3); c.1478G>A, p.Ser493Asn (NM_201571.4); c.1406G>A, p.Ser469Asn (NM_201572.4); c.1400G>A, p.Ser467Asn (NM_201590.3); and 1 more; short protein forms S493N, S428N, S466N, S483N, S455N, S467N, S469N, S521N.
Identifiers: ClinVar variation 665898 (VCV000665898.8), dbSNP rs1359160320, ClinGen allele CA376071318.

ClinVar aggregate classification (germline): Uncertain significance (1 of 4 stars; one submission).

Conditions:
Brugada syndrome 4 (BRGDA4). Identifiers: Orphanet 130, MedGen C2678477, MONDO:0012743, OMIM 611876.

Submission:

Labcorp Genetics (formerly Invitae), Labcorp
Classification: Uncertain significance for Brugada syndrome 4. Last evaluated: 2018-10-22. Review status: criteria provided, single submitter. Criteria: Invitae Variant Classification Sherloc (09022015). Collection method: clinical testing. Allele origin: germline.
Comment: In summary, the available evidence is currently insufficient to determine the role of this variant in disease. Therefore, it has been classified as a Variant of Uncertain Significance. Algorithms developed to predict the effect of missense changes on protein structure and function (SIFT, PolyPhen-2, Align-GVGD) all suggest that this variant is likely to be tolerated, but these predictions have not been confirmed by published functional studies and their clinical significance is uncertain. This variant has not been reported in the literature in individuals with CACNB2-related disease. This variant is not present in population databases (ExAC no frequency). This sequence change replaces serine with asparagine at codon 467 of the CACNB2 protein (p.Ser467Asn). The serine residue is weakly conserved and there is a small physicochemical difference between serine and asparagine.